The following is an entry in ClinVar:

ClinVar aggregate classification (germline): Pathogenic/Likely pathogenic. Review status: criteria provided, multiple submitters, no conflicts (2 of 4 stars). 2 submissions from 2 submitters: Pathogenic (1); Likely pathogenic (1). Last evaluated 2018-04-14.

Conditions:
Hereditary cancer-predisposing syndrome. Also called: Neoplastic Syndromes, Hereditary; Tumor predisposition; Hereditary Cancer Syndrome; Hereditary neoplastic syndrome. Identifiers: Orphanet 140162, MedGen C0027672, MeSH D009386, MONDO:0015356.
APC-related disorder. Also called: APC-related condition.

Submissions (2):

Ambry Genetics
Classification: Pathogenic for Hereditary cancer-predisposing syndrome. Last evaluated: 2018-04-14. Review status: criteria provided, single submitter. Criteria: Ambry Variant Classification Scheme 2023. Collection method: clinical testing. Allele origin: germline.
Comment: The p.E763* pathogenic mutation (also known as c.2287G>T), located in coding exon 15 of the APC gene, results from a G to T substitution at nucleotide position 2287. This changes the amino acid from a glutamic acid to a stop codon within coding exon 15. This alteration was identified in 1/863 French patients with FAP (Lagarde A et al. J. Med. Genet. 2010 Oct;47:721-2). In addition to the clinical data presented in the literature, this alteration is expected to result in loss of function by premature protein truncation. As such, this alteration is interpreted as a disease-causing mutation.

Blueprint Genetics
Classification: Likely pathogenic for APC-related disorders. Last evaluated: 2017-07-17. Review status: criteria provided, single submitter. Criteria: ACMG Guidelines, 2015. Collection method: clinical testing. Allele origin: germline. Affected: yes. Observed: 1 variant allele.

Literature cited by the submitters: PubMed 20685668 (cited by Ambry Genetics).

NM_000038.6(APC):c.2287G>T (p.Glu763Ter)

Gene: APC (APC regulator of Wnt signaling pathway; plus strand). Cytogenetic location: 5q22.2.
Variant type: single nucleotide variant.
Coding change: c.2287G>T on transcript NM_000038.6 (MANE Select); coding-DNA position 2287, G replaced by T.
Protein change: p.Glu763Ter; replaces glutamic acid 763 with a stop codon.
Molecular consequence: nonsense.
Genome position (GRCh38, 1-based): chr5:112,837,881, G>T. VCF-style: chr5-112837881-G-T. GRCh37 (hg19) VCF-style: chr5-112173578-G-T.
Other names: c.2287G>T, p.Glu763Ter (NM_001127510.3, NM_001354895.2); c.2233G>T, p.Glu745Ter (NM_001127511.3); c.2341G>T, p.Glu781Ter (NM_001354896.2); c.2317G>T, p.Glu773Ter (NM_001354897.2); c.2212G>T, p.Glu738Ter (NM_001354898.2); c.2203G>T, p.Glu735Ter (NM_001354899.2); c.2164G>T, p.Glu722Ter (NM_001354900.2); c.2110G>T, p.Glu704Ter (NM_001354901.2); and 5 more; short protein forms E603*, E704*, E745*, E763*, E773*, E738*, E480*, E637*.
Identifiers: ClinVar variation 821036 (VCV000821036.5), dbSNP rs1580620163, ClinGen allele CA16026342.
Genomic context (GRCh38, chr5:112,837,881, plus strand): 5'-ATGTCTCCTGGCTCAAGCTTGCCATCTCTTCATGTTAGGAAACAAAAAGCCCTAGAAGCA[G>T]AATTAGATGCTCAGCACTTATCAGAAACTTTTGACAATATAGACAATTTAAGTCCCAAGG-3'